The following is an entry in ClinVar:

ClinVar aggregate classification (germline): Uncertain significance (1 of 4 stars; one submission).

Conditions:
Charcot-Marie-Tooth disease type 2. Also called: Charcot-Marie-Tooth type 2. Identifiers: Orphanet 64746, MedGen C0270914, MONDO:0018993.

Allele frequency attached by ClinVar (database versions not stated): ESP Exome Variant Server 0.00008; ExAC 0.00001.
gnomAD v4.1: 4 of 1,614,176 alleles (0.00025%); highest among the groups gnomAD compares: Middle Eastern, 0.049%; no homozygotes.

Submission:

Labcorp Genetics (formerly Invitae), Labcorp
Classification: Uncertain significance for Charcot-Marie-Tooth disease type 2. Last evaluated: 2023-09-27. Review status: criteria provided, single submitter. Criteria: Invitae Variant Classification Sherloc (09022015). Collection method: clinical testing. Allele origin: germline.
Comment: In summary, the available evidence is currently insufficient to determine the role of this variant in disease. Therefore, it has been classified as a Variant of Uncertain Significance. Advanced modeling of protein sequence and biophysical properties (such as structural, functional, and spatial information, amino acid conservation, physicochemical variation, residue mobility, and thermodynamic stability) performed at Invitae indicates that this missense variant is not expected to disrupt AARS protein function. This variant has not been reported in the literature in individuals affected with AARS-related conditions. This variant is present in population databases (rs146540551, gnomAD 0.0009%). This sequence change replaces serine, which is neutral and polar, with tyrosine, which is neutral and polar, at codon 957 of the AARS protein (p.Ser957Tyr).

NM_001605.3(AARS1):c.2870C>A (p.Ser957Tyr)

Gene: AARS1 (alanyl-tRNA synthetase 1; minus strand). Cytogenetic location: 16q22.1.
Variant type: single nucleotide variant.
Coding change: c.2870C>A on transcript NM_001605.3 (MANE Select); coding-DNA position 2870, C replaced by A.
Protein change: p.Ser957Tyr; replaces serine 957 with tyrosine.
Molecular consequence: missense variant.
Genome position (GRCh38, 1-based): chr16:70,252,758, G>T on the plus strand (C>A on the coding strand, the complement: AARS1 is on the minus strand). VCF-style: chr16-70252758-G-T. GRCh37 (hg19) VCF-style: chr16-70286661-G-T.
Other names: short protein forms S957Y.
Identifiers: ClinVar variation 2727147 (VCV002727147.3), dbSNP rs146540551, ClinGen allele CA8140256.